The following is an entry in ClinVar:

ClinVar aggregate classification (germline): Uncertain significance (1 of 4 stars; one submission).

Allele frequency attached by ClinVar (database versions not stated): gnomAD 0.00001; TOPMed 0.00001; ESP Exome Variant Server 0.00008.
gnomAD v4.1: 3 of 1,614,054 alleles (0.00019%); highest among the groups gnomAD compares: African/African-American, 0.0027%; no homozygotes.

Submission:

Labcorp Genetics (formerly Invitae), Labcorp
Classification: Uncertain significance. Last evaluated: 2023-12-01. Review status: criteria provided, single submitter. Criteria: Invitae Variant Classification Sherloc (09022015). Collection method: clinical testing. Allele origin: germline.
Comment: This sequence change replaces threonine, which is neutral and polar, with isoleucine, which is neutral and non-polar, at codon 195 of the ANXA11 protein (p.Thr195Ile). This variant is present in population databases (rs368892464, gnomAD no frequency). This variant has not been reported in the literature in individuals affected with ANXA11-related conditions. An algorithm developed to predict the effect of missense changes on protein structure and function (PolyPhen-2) suggests that this variant is likely to be tolerated. In summary, the available evidence is currently insufficient to determine the role of this variant in disease. Therefore, it has been classified as a Variant of Uncertain Significance.

NM_145868.2(ANXA11):c.584C>T (p.Thr195Ile)

Gene: ANXA11 (annexin A11; minus strand). Cytogenetic location: 10q22.3.
Variant type: single nucleotide variant.
Coding change: c.584C>T on transcript NM_145868.2 (MANE Select); coding-DNA position 584, C replaced by T.
Protein change: p.Thr195Ile; replaces threonine 195 with isoleucine.
Molecular consequence: missense variant.
Genome position (GRCh38, 1-based): chr10:80,167,291, G>A on the plus strand (C>T on the coding strand, the complement: ANXA11 is on the minus strand). VCF-style: chr10-80167291-G-A. GRCh37 (hg19) VCF-style: chr10-81927047-G-A.
Other names: c.584C>T, p.Thr195Ile (NM_001157.3, NM_001278407.2, NM_001278408.2 and 1 more transcripts); c.485C>T, p.Thr162Ile (NM_001278409.2); short protein forms T195I, T162I.
Identifiers: ClinVar variation 2806175 (VCV002806175.3), dbSNP rs368892464, ClinGen allele CA210331165.